The following is an entry in ClinVar:

ClinVar aggregate classification (germline): Pathogenic/Likely pathogenic. Review status: criteria provided, multiple submitters, no conflicts (2 of 4 stars). 7 submissions from 7 submitters: Pathogenic (5); Likely pathogenic (1). 1 of the submissions does not count toward it. Last evaluated 2026-05-07.

Conditions:
ANO5-related disorder. Also called: ANO5-related condition; ANO5-related disorders. Identifiers: MedGen CN239193.
Gnathodiaphyseal dysplasia (GDD). Also called: OSTEOGENESIS IMPERFECTA WITH UNUSUAL SKELETAL LESIONS; GNATHODIAPHYSEAL SCLEROSIS. Identifiers: Orphanet 53697, MedGen C1833736, MONDO:0008151, OMIM 166260.
Autosomal recessive limb-girdle muscular dystrophy type 2L (LGMDR12). Also called: Limb-girdle muscular dystrophy, type 2L; MUSCULAR DYSTROPHY, LIMB-GIRDLE, AUTOSOMAL RECESSIVE 12; Limb-Girdle Muscular Dystrophy R12 Anoctamin-5-Related (LGMD-R12). Identifiers: Orphanet 206549, MedGen C1969785, MONDO:0012652, OMIM 611307.

Allele frequency attached by ClinVar (database versions not stated): gnomAD exomes below 0.00001 and 0.00001; ExAC 0.00001; gnomAD 0.00003 and 0.00004; TOPMed 0.00003.

Submissions (7):

Kasturba Medical College, Manipal, Kasturba Medical College, Manipal, Manipal Academy of Higher Education, Manipal, India
Classification: Likely pathogenic for Autosomal recessive limb-girdle muscular dystrophy type 2L. Last evaluated: 2026-05-07. Review status: criteria provided, single submitter. Criteria: ACMG Guidelines, 2015. Collection method: research. Allele origin: biparental. Inheritance: Autosomal recessive inheritance. Affected: yes. Observed: 1 variant allele, 1 homozygote.
Comment: This variant is present in 12 individuals in heterozygous state and absent in homozygous state in the gnomAD (v4.1.0) population database. This variant has been noted in heterozygous state in an individual in our in-house data of 4231 exomes.

Labcorp Genetics (formerly Invitae), Labcorp
Classification: Pathogenic for Autosomal recessive limb-girdle muscular dystrophy type 2L; Gnathodiaphyseal dysplasia. Last evaluated: 2025-12-15. Review status: criteria provided, single submitter. Criteria: Invitae Variant Classification Sherloc (09022015). Collection method: clinical testing. Allele origin: germline.
Comment: This sequence change creates a premature translational stop signal (p.Arg404*) in the ANO5 gene. It is expected to result in an absent or disrupted protein product. Loss-of-function variants in ANO5 are known to be pathogenic (PMID: 21186264, 23606453, 25891276, 30919934). The frequency data for this variant in the population databases is considered unreliable, as metrics indicate poor data quality at this position in the gnomAD database. This premature translational stop signal has been observed in individual(s) with autosomal recessive ANO5-related conditions (PMID: 22980763, 32367299, 32819793). ClinVar contains an entry for this variant (Variation ID: 217143). For these reasons, this variant has been classified as Pathogenic.

GeneDx
Classification: Pathogenic. Last evaluated: 2024-05-09. Review status: criteria provided, single submitter. Criteria: GeneDx Variant Classification Process June 2021. Collection method: clinical testing. Allele origin: germline. Affected: yes.
Comment: Nonsense variant predicted to result in protein truncation or nonsense mediated decay in a gene for which loss of function is a known mechanism of disease; Not observed at significant frequency in large population cohorts (gnomAD); This variant is associated with the following publications: (PMID: 23041008, 32367299, 32528171, 32819793, 36913258, 22980763, 37526466)

Blueprint Genetics
Classification: Pathogenic for ANO5-related disorders. Last evaluated: 2023-07-04. Review status: criteria provided, single submitter. Criteria: ACMG Guidelines, 2015. Collection method: clinical testing. Allele origin: germline. Affected: yes. Observed: 2 variant alleles.

Eurofins Ntd Llc (ga)
Classification: Pathogenic. Last evaluated: 2015-10-23. Review status: criteria provided, single submitter. Criteria: EGL Classification Definitions 2015. Collection method: clinical testing. Allele origin: germline. Observed: 4 variant alleles, 4 heterozygotes.

Athena Diagnostics
Classification: Pathogenic for Limb-girdle muscular dystrophy, type 2L. Last evaluated: 2015-09-14. Review status: criteria provided, single submitter. Criteria: Athena Diagnostics Criteria. Collection method: clinical testing. Allele origin: germline. Inheritance: Autosomal recessive inheritance.

PreventionGenetics, part of Exact Sciences
Classification: Pathogenic for ANO5-related condition. Last evaluated: 2023-12-06. Review status: no assertion criteria provided. Collection method: clinical testing. Allele origin: germline. Not counted in ClinVar's aggregate classification.
Comment: The ANO5 c.1210C>T variant is predicted to result in premature protein termination (p.Arg404*). This variant was reported in an individuals with autosomal recessive ANO5-related muscle disorders (Sarkozy et al 2012. PubMed ID: 22980763; Wahbi K et al 2012. PubMed ID: 23041008; Supp. Table 4 in Töpf A et al 2020. PubMed ID: 32528171). This variant is reported in 0.0050% of alleles in individuals of East Asian descent in gnomAD. Nonsense variants in ANO5 are expected to be pathogenic. This variant is interpreted as pathogenic.

Literature cited by the submitters: PubMed 32367299 (cited by Kasturba Medical College, Manipal, Kasturba Medical College, Manipal, Manipal Academy of Higher Education, Manipal, India and Labcorp Genetics (formerly Invitae), Labcorp); PubMed 21186264 (cited by Labcorp Genetics (formerly Invitae), Labcorp); PubMed 23606453 (cited by Labcorp Genetics (formerly Invitae), Labcorp); PubMed 25891276 (cited by Labcorp Genetics (formerly Invitae), Labcorp); PubMed 30919934 (cited by Labcorp Genetics (formerly Invitae), Labcorp); PubMed 22980763 (cited by Labcorp Genetics (formerly Invitae), Labcorp and Athena Diagnostics); PubMed 32819793 (cited by Labcorp Genetics (formerly Invitae), Labcorp); PubMed 23041008 (cited by Athena Diagnostics).

NM_213599.3(ANO5):c.1210C>T (p.Arg404Ter)

Gene: ANO5 (anoctamin 5; plus strand). Cytogenetic location: 11p14.3.
Variant type: single nucleotide variant.
Coding change: c.1210C>T on transcript NM_213599.3 (MANE Select); coding-DNA position 1210, C replaced by T.
Protein change: p.Arg404Ter; replaces arginine 404 with a stop codon.
Molecular consequence: nonsense.
Genome position (GRCh38, 1-based): chr11:22,255,400, C>T. VCF-style: chr11-22255400-C-T. GRCh37 (hg19) VCF-style: chr11-22276946-C-T.
Other names: c.1207C>T, p.Arg403Ter (NM_001142649.2); short protein forms R404*, R403*.
Identifiers: ClinVar variation 217143 (VCV000217143.16), dbSNP rs566415362, ClinGen allele CA210078.
Genomic context (GRCh38, chr11:22,255,400, plus strand): 5'-ATCTTTTTTTTATATATTTATTTACCTATAGTCACCTTATTTTTGGAGTTTTGGAAACAA[C>T]GACAAGCCAGACTGGAATATGAATGGGACCTGGTGGACTTTGAAGAGGAACAGCAGCAGC-3'